The following is an entry in ClinVar:

NM_004525.3(LRP2):c.13728+5C>T

Gene: LRP2 (LDL receptor related protein 2; minus strand). Cytogenetic location: 2q31.1.
Variant type: single nucleotide variant.
Coding change: c.13728+5C>T on transcript NM_004525.3 (MANE Select); 5 bases into the intron after coding-DNA position 13728, C replaced by T.
Molecular consequence: intron variant.
Genome position (GRCh38, 1-based): chr2:169,132,569, G>A on the plus strand (C>T on the coding strand, the complement: LRP2 is on the minus strand). VCF-style: chr2-169132569-G-A. GRCh37 (hg19) VCF-style: chr2-169989079-G-A.
Identifiers: ClinVar variation 2013296 (VCV002013296.4), dbSNP rs1685332693, ClinGen allele CA2580064411.
Genomic context (GRCh38, chr2:169,132,569, plus strand): 5'-TAAAAACCCAGTCATCCCAAAGTTTTTCCAAATCCCACATTATTTCAGGAGTCGGCAACT[G>A]TTACCTGAGTTCCATCAGCAGCTGGTGAAGTTGGGTTTGTCTCTGGAACTATCTCAGAAG-3'

ClinVar aggregate classification (germline): Uncertain significance (1 of 4 stars; one submission).

Submission:

Labcorp Genetics (formerly Invitae), Labcorp
Classification: Uncertain significance. Last evaluated: 2023-04-12. Review status: criteria provided, single submitter. Criteria: Invitae Variant Classification Sherloc (09022015). Collection method: clinical testing. Allele origin: germline.
Comment: This sequence change falls in intron 77 of the LRP2 gene. It does not directly change the encoded amino acid sequence of the LRP2 protein. It affects a nucleotide within the consensus splice site. This variant is not present in population databases (gnomAD no frequency). In summary, the available evidence is currently insufficient to determine the role of this variant in disease. Therefore, it has been classified as a Variant of Uncertain Significance. Variants that disrupt the consensus splice site are a relatively common cause of aberrant splicing (PMID: 17576681, 9536098). Algorithms developed to predict the effect of sequence changes on RNA splicing suggest that this variant is not likely to affect RNA splicing. ClinVar contains an entry for this variant (Variation ID: 2013296). This variant has not been reported in the literature in individuals affected with LRP2-related conditions.

Literature cited by the submitters: PubMed 17576681; PubMed 9536098.